The following is an entry in ClinVar:

NM_025099.6(CTC1):c.3271C>T (p.His1091Tyr)

Gene: CTC1 (CST telomere replication complex component 1; minus strand). Cytogenetic location: 17p13.1.
Variant type: single nucleotide variant.
Coding change: c.3271C>T on transcript NM_025099.6 (MANE Select); coding-DNA position 3271, C replaced by T.
Protein change: p.His1091Tyr; replaces histidine 1091 with tyrosine.
Molecular consequence: missense variant. On other transcripts: non-coding transcript variant (1).
Genome position (GRCh38, 1-based): chr17:8,228,843, G>A on the plus strand (C>T on the coding strand, the complement: CTC1 is on the minus strand). VCF-style: chr17-8228843-G-A. GRCh37 (hg19) VCF-style: chr17-8132161-G-A.
Other names: short protein forms H1091Y.
Identifiers: ClinVar variation 579536 (VCV000579536.6), dbSNP rs1358175667, ClinGen allele CA397969341.

ClinVar aggregate classification (germline): Uncertain significance (1 of 4 stars; one submission).

Conditions:
Dyskeratosis congenita. Identifiers: Orphanet 1775, MedGen C0265965, MONDO:0015780.

Allele frequency attached by ClinVar (database versions not stated): TOPMed 0.00001.

Submission:

Labcorp Genetics (formerly Invitae), Labcorp
Classification: Uncertain significance for Dyskeratosis congenita. Last evaluated: 2021-08-24. Review status: criteria provided, single submitter. Criteria: Invitae Variant Classification Sherloc (09022015). Collection method: clinical testing. Allele origin: germline.
Comment: This sequence change replaces histidine with tyrosine at codon 1091 of the CTC1 protein (p.His1091Tyr). The histidine residue is highly conserved and there is a moderate physicochemical difference between histidine and tyrosine. This variant is not present in population databases (ExAC no frequency). This variant has not been reported in the literature in individuals affected with CTC1-related conditions. Algorithms developed to predict the effect of missense changes on protein structure and function (SIFT, PolyPhen-2, Align-GVGD) all suggest that this variant is likely to be tolerated. In summary, the available evidence is currently insufficient to determine the role of this variant in disease. Therefore, it has been classified as a Variant of Uncertain Significance.